The following is an entry in ClinVar:

NM_005236.3(ERCC4):c.61C>G (p.Gln21Glu)

Genes: ERCC4 (ERCC excision repair 4, endonuclease catalytic subunit; plus strand), LOC130058543 (ATAC-STARR-seq lymphoblastoid active region 10486; plus strand). Cytogenetic location: 16p13.12.
Variant type: single nucleotide variant.
Coding change: c.61C>G on transcript NM_005236.3 (MANE Select); coding-DNA position 61, C replaced by G.
Protein change: p.Gln21Glu; replaces glutamine 21 with glutamic acid.
Molecular consequence: missense variant.
Genome position (GRCh38, 1-based): chr16:13,920,226, C>G. VCF-style: chr16-13920226-C-G. GRCh37 (hg19) VCF-style: chr16-14014083-C-G.
Other names: short protein forms Q21E.
Identifiers: ClinVar variation 317797 (VCV000317797.14), dbSNP rs748499820, ClinGen allele CA7910075.

ClinVar aggregate classification (germline): Uncertain significance. Review status: criteria provided, multiple submitters, no conflicts (2 of 4 stars). 3 submissions from 3 submitters: Uncertain significance (3). Last evaluated 2024-06-10.

Conditions:
Fanconi anemia complementation group Q. Identifiers: Orphanet 84, MedGen C3808988, MONDO:0014108, OMIM 615272.
Xeroderma pigmentosum, group F (XPF). Also called: XERODERMA PIGMENTOSUM, COMPLEMENTATION GROUP F; XERODERMA PIGMENTOSUM VI; XP, GROUP F; ERCC4-Related Xeroderma Pigmentosum; XERODERMA PIGMENTOSUM, TYPE F; Xeroderma pigmentosum, type 6. Identifiers: MedGen C0268140, MONDO:0010215, OMIM 278760.
Cockayne syndrome. Identifiers: Orphanet 191, MedGen C0009207, MONDO:0016006.

Allele frequency attached by ClinVar (database versions not stated): gnomAD exomes below 0.00001; ExAC 0.00001; gnomAD 0.00001; TOPMed 0.00001.
gnomAD v4.1: 5 of 1,607,846 alleles (0.00031%); highest among the groups gnomAD compares: African/African-American, 0.0013%; no homozygotes.

Submissions (3):

St. Jude Molecular Pathology, St. Jude Children's Research Hospital
Classification: Uncertain significance for Fanconi anemia complementation group Q. Last evaluated: 2024-06-10. Review status: criteria provided, single submitter. Criteria: St. Jude Assertion Criteria 2020. Collection method: clinical testing. Allele origin: germline.
Comment: The ERCC4 c.61C>G (p.Gln21Glu) missense change has a maximum subpopulation frequency of 0.002% in gnomAD v2.1.1. The in silico tool REVEL predicts a benign effect on protein function, but this prediction has not been confirmed by functional studies. This variant has not been reported in individuals with Fanconi anemia or xeroderma pigmentosum. In summary, the evidence currently available is insufficient to determine the clinical significance of this variant. It has therefore been classified as of uncertain significance.

Labcorp Genetics (formerly Invitae), Labcorp
Classification: Uncertain significance for Fanconi anemia complementation group Q; Xeroderma pigmentosum, group F; Cockayne syndrome. Last evaluated: 2021-07-14. Review status: criteria provided, single submitter. Criteria: Invitae Variant Classification Sherloc (09022015). Collection method: clinical testing. Allele origin: germline.
Comment: Algorithms developed to predict the effect of missense changes on protein structure and function (SIFT, PolyPhen-2, Align-GVGD) all suggest that this variant is likely to be tolerated, but these predictions have not been confirmed by published functional studies and their clinical significance is uncertain. In summary, the available evidence is currently insufficient to determine the role of this variant in disease. Therefore, it has been classified as a Variant of Uncertain Significance. This variant has not been reported in the literature in individuals with ERCC4-related conditions. ClinVar contains an entry for this variant (Variation ID: 317797). This sequence change replaces glutamine with glutamic acid at codon 21 of the ERCC4 protein (p.Gln21Glu). The glutamine residue is moderately conserved and there is a small physicochemical difference between glutamine and glutamic acid. This variant is present in population databases (rs748499820, ExAC 0.002%).

Illumina Laboratory Services, Illumina
Classification: Uncertain significance for Xeroderma pigmentosum, group F. Last evaluated: 2018-01-12. Review status: criteria provided, single submitter. Criteria: ICSL Variant Classification Criteria 13 December 2019. Collection method: clinical testing. Allele origin: germline.